The following is an entry in ClinVar:

ClinVar aggregate classification (germline): Conflicting classifications of pathogenicity. Review status: criteria provided, conflicting classifications (1 of 4 stars). 6 submissions from 5 submitters: Uncertain significance (5); Likely benign (1). Last evaluated 2026-01-04.

Conditions:
Hereditary cancer-predisposing syndrome. Also called: Hereditary Cancer Syndrome; Neoplastic Syndromes, Hereditary; Tumor predisposition; Hereditary neoplastic syndrome. Identifiers: Orphanet 140162, MedGen C0027672, MeSH D009386, MONDO:0015356.
Cardiovascular phenotype. Identifiers: MedGen CN230736.
Neurofibromatosis, type 1 (NF1). Also called: Neurofibromatosis, type I; VON RECKLINGHAUSEN DISEASE; NEUROFIBROMATOSIS, TYPE I, SOMATIC; Peripheral type neurofibromatosis. Identifiers: Orphanet 636, MedGen C0027831, MONDO:0018975, OMIM 162200. Disease mechanism: loss of function.

Allele frequency attached by ClinVar (database versions not stated): TOPMed below 0.00001.

Submissions (6):

Labcorp Genetics (formerly Invitae), Labcorp
Classification: Likely benign for Neurofibromatosis, type 1. Last evaluated: 2026-01-04. Review status: criteria provided, single submitter. Criteria: Invitae Variant Classification Sherloc (09022015). Collection method: clinical testing. Allele origin: germline.

Women's Health and Genetics/Laboratory Corporation of America, LabCorp
Classification: Uncertain significance. Last evaluated: 2025-10-06. Review status: criteria provided, single submitter. Criteria: LabCorp Variant Classification Summary - May 2015. Collection method: clinical testing. Allele origin: germline.
Comment: Variant summary: NF1 c.6230C>T (p.Ala2077Val) results in a non-conservative amino acid change in the encoded protein sequence. Algorithms developed to predict the effect of missense changes on protein structure and function are either unavailable or do not agree on the potential impact of this missense change. The frequency data for this variant in gnomAD is considered unreliable, as metrics indicate poor data quality at this position. To our knowledge, no occurrence of c.6230C>T in individuals affected with NF1-related conditions and no experimental evidence demonstrating its impact on protein function have been reported. ClinVar contains an entry for this variant (Variation ID: 231832). Based on the evidence outlined above, the variant was classified as uncertain significance.

GeneDx
Classification: Uncertain significance. Last evaluated: 2023-06-18. Review status: criteria provided, single submitter. Criteria: GeneDx Variant Classification Process June 2021. Collection method: clinical testing. Allele origin: germline. Affected: yes.
Comment: Not observed at significant frequency in large population cohorts (gnomAD); In silico analysis supports that this missense variant does not alter protein structure/function; Has not been previously published as pathogenic or benign to our knowledge; This variant is associated with the following publications: (PMID: 28786540)

Genome-Nilou Lab
Classification: Uncertain significance for Neurofibromatosis, type 1. Last evaluated: 2022-03-15. Review status: criteria provided, single submitter. Criteria: ACMG Guidelines, 2015. Collection method: clinical testing. Allele origin: germline. Affected: no.

Ambry Genetics
Classification: Uncertain significance for Cardiovascular phenotype; Hereditary cancer-predisposing syndrome. Last evaluated: 2021-05-14. Review status: criteria provided, single submitter. Criteria: Ambry Variant Classification Scheme 2023. Collection method: clinical testing. Allele origin: germline.

Ambry Genetics
Classification: Uncertain significance for Hereditary cancer-predisposing syndrome. Last evaluated: 2015-05-12. Review status: criteria provided, single submitter. Criteria: Ambry Autosomal Dominant and X-Linked criteria (10/2015). Collection method: clinical testing. Allele origin: germline. Observed: 1 variant allele.
Comment: The p.A2098V variant (also known as c.6293C>T), located in coding exon 42 of the NF1 gene, results from a C to T substitution at nucleotide position 6293. The alanine at codon 2098 is replaced by valine, an amino acid with similar properties. This variant was not reported in population based cohorts in the following databases: Database of Single Nucleotide Polymorphisms (dbSNP), NHLBI Exome Sequencing Project (ESP), and 1000 Genomes Project. In the ESP, this variant was not observed in 6503 samples (13006 alleles) with coverage at this position. To date, this alteration has been detected with an allele frequency of approximately 0.002% (greater than 55000 alleles tested) in our clinical cohort.This amino acid position is highly conserved in available vertebrate species. In addition, this alteration is predicted to be deleterious by in silico analysis.Since supporting evidence for this variant is limited at this time, the clinical significance of p.A2098Vremains unclear.

NM_001042492.3(NF1):c.6293C>T (p.Ala2098Val)

Gene: NF1 (neurofibromin 1; plus strand). Cytogenetic location: 17q11.2.
Variant type: single nucleotide variant.
Coding change: c.6293C>T on transcript NM_001042492.3 (MANE Select); coding-DNA position 6293, C replaced by T.
Protein change: p.Ala2098Val; replaces alanine 2098 with valine.
Molecular consequence: missense variant.
Genome position (GRCh38, 1-based): chr17:31,336,780, C>T. VCF-style: chr17-31336780-C-T. GRCh37 (hg19) VCF-style: chr17-29663798-C-T.
Other names: c.6230C>T, p.Ala2077Val (NM_000267.4); short protein forms A2077V, A2098V.
Identifiers: ClinVar variation 231832 (VCV000231832.15), dbSNP rs764106639, ClinGen allele CA10580372.